The following is an entry in ClinVar:

NM_000548.5(TSC2):c.4240G>A (p.Val1414Ile)

Gene: TSC2 (TSC complex subunit 2; plus strand). Cytogenetic location: 16p13.3.
Variant type: single nucleotide variant.
Coding change: c.4240G>A on transcript NM_000548.5 (MANE Select); coding-DNA position 4240, G replaced by A.
Protein change: p.Val1414Ile; replaces valine 1414 with isoleucine.
Molecular consequence: missense variant. On other transcripts: non-coding transcript variant (5).
Genome position (GRCh38, 1-based): chr16:2,084,462, G>A. VCF-style: chr16-2084462-G-A. GRCh37 (hg19) VCF-style: chr16-2134463-G-A.
Other names: c.3442G>A, p.Val1148Ile (NM_001406685.1, NM_001406686.1); c.3439G>A, p.Val1147Ile (NM_001406687.1, NM_001406688.1); c.2827G>A, p.Val943Ile (NM_001406689.1); c.2767G>A, p.Val923Ile (NM_001406690.1); c.2764G>A, p.Val922Ile (NM_001406691.1); c.2698G>A, p.Val900Ile (NM_001406692.1, NM_001406693.1, NM_001406694.1); c.2695G>A, p.Val899Ile (NM_001406695.1, NM_001406696.1, NM_001406697.1); c.2437G>A, p.Val813Ile (NM_001406698.1); and 26 more; short protein forms V1170I, V1191I, V1298I, V1344I, V1391I, V813I, V1147I, V1328I.
Identifiers: ClinVar variation 3462548 (VCV003462548.2).
Genomic context (GRCh38, chr16:2,084,462, plus strand): 5'-CTGCAGGACATCCTCGGGGACCCTGGGGACAAGGCCGACGTGGGCCGGCTGAGCCCTGAG[G>A]TTAAGGCCCGGTCACAGTCAGGGACCCTGGACGGGGAAAGTGCTGCCTGGTCGGCCTCGG-3'
Protein context (NP_000539.2, residues 1404-1424): KADVGRLSPE[Val1414Ile]KARSQSGTLD

ClinVar aggregate classification (germline): Uncertain significance. Review status: criteria provided, multiple submitters, no conflicts (2 of 4 stars). 2 submissions from 2 submitters: Uncertain significance (2). Last evaluated 2025-08-28.

Conditions:
Tuberous sclerosis 2 (TSC2). Identifiers: Orphanet 805, MedGen C1860707, MONDO:0013199, OMIM 613254.
Hereditary cancer-predisposing syndrome. Also called: Hereditary Cancer Syndrome; Hereditary neoplastic syndrome; Neoplastic Syndromes, Hereditary; Tumor predisposition. Identifiers: Orphanet 140162, MedGen C0027672, MeSH D009386, MONDO:0015356.

gnomAD v4.1: 4 of 1,609,332 alleles (0.00025%); highest among the groups gnomAD compares: Non-Finnish European, 0.00034%; no homozygotes.

Submissions (2):

Labcorp Genetics (formerly Invitae), Labcorp
Classification: Uncertain significance for Tuberous sclerosis 2. Last evaluated: 2025-08-28. Review status: criteria provided, single submitter. Criteria: Invitae Variant Classification Sherloc (09022015). Collection method: clinical testing. Allele origin: germline.
Comment: This sequence change replaces valine, which is neutral and non-polar, with isoleucine, which is neutral and non-polar, at codon 1414 of the TSC2 protein (p.Val1414Ile). This variant is not present in population databases (gnomAD no frequency). This variant has not been reported in the literature in individuals affected with TSC2-related conditions. ClinVar contains an entry for this variant (Variation ID: 3462548). Invitae Evidence Modeling of protein sequence and biophysical properties (such as structural, functional, and spatial information, amino acid conservation, physicochemical variation, residue mobility, and thermodynamic stability) indicates that this missense variant is not expected to disrupt TSC2 protein function with a negative predictive value of 95%. In summary, the available evidence is currently insufficient to determine the role of this variant in disease. Therefore, it has been classified as a Variant of Uncertain Significance.

Ambry Genetics
Classification: Uncertain significance for Hereditary cancer-predisposing syndrome. Last evaluated: 2024-09-01. Review status: criteria provided, single submitter. Criteria: Ambry Variant Classification Scheme 2023. Collection method: clinical testing. Allele origin: germline.
Comment: The p.V1414I variant (also known as c.4240G>A), located in coding exon 33 of the TSC2 gene, results from a G to A substitution at nucleotide position 4240. The valine at codon 1414 is replaced by isoleucine, an amino acid with highly similar properties. This amino acid position is conserved. In addition, the in silico prediction for this alteration is inconclusive. Based on the available evidence, the clinical significance of this variant remains unclear.